The following is an entry in ClinVar:

NM_000327.4(ROM1):c.923G>A (p.Gly308Asp)

Gene: ROM1 (retinal outer segment membrane protein 1; plus strand). Cytogenetic location: 11q12.3.
Variant type: single nucleotide variant.
Coding change: c.923G>A on transcript NM_000327.4 (MANE Select); coding-DNA position 923, G replaced by A.
Protein change: p.Gly308Asp; replaces glycine 308 with aspartic acid.
Molecular consequence: missense variant.
Genome position (GRCh38, 1-based): chr11:62,614,706, G>A. VCF-style: chr11-62614706-G-A. GRCh37 (hg19) VCF-style: chr11-62382178-G-A.
Other names: short protein forms G308D.
Identifiers: ClinVar variation 1519807 (VCV001519807.8), dbSNP rs748027172, ClinGen allele CA6049877.

ClinVar aggregate classification (germline): Uncertain significance (1 of 4 stars; one submission).

Allele frequency attached by ClinVar (database versions not stated): gnomAD exomes below 0.00001 and 0.00001; ExAC 0.00001.
gnomAD v4.1: 1 of 1,614,200 alleles (0.000062%); highest among the groups gnomAD compares: Non-Finnish European, 0.000085%; no homozygotes.

Submission:

Labcorp Genetics (formerly Invitae), Labcorp
Classification: Uncertain significance. Last evaluated: 2022-03-10. Review status: criteria provided, single submitter. Criteria: Invitae Variant Classification Sherloc (09022015). Collection method: clinical testing. Allele origin: germline.
Comment: This sequence change replaces glycine, which is neutral and non-polar, with aspartic acid, which is acidic and polar, at codon 308 of the ROM1 protein (p.Gly308Asp). This variant is present in population databases (rs748027172, gnomAD 0.007%). This variant has not been reported in the literature in individuals affected with ROM1-related conditions. Algorithms developed to predict the effect of missense changes on protein structure and function (SIFT, PolyPhen-2, Align-GVGD) all suggest that this variant is likely to be disruptive. In summary, the available evidence is currently insufficient to determine the role of this variant in disease. Therefore, it has been classified as a Variant of Uncertain Significance.